The following is an entry in ClinVar:

NM_001128228.3(TPRN):c.482C>T (p.Pro161Leu)

Gene: TPRN (taperin; minus strand). Cytogenetic location: 9q34.3.
Variant type: single nucleotide variant.
Coding change: c.482C>T on transcript NM_001128228.3 (MANE Select); coding-DNA position 482, C replaced by T.
Protein change: p.Pro161Leu; replaces proline 161 with leucine.
Molecular consequence: missense variant.
Genome position (GRCh38, 1-based): chr9:137,200,230, G>A on the plus strand (C>T on the coding strand, the complement: TPRN is on the minus strand). VCF-style: chr9-137200230-G-A. GRCh37 (hg19) VCF-style: chr9-140094682-G-A.
Other names: short protein forms P161L.
Identifiers: ClinVar variation 1878792 (VCV001878792.1), dbSNP rs1834784344, ClinGen allele CA375782381.

ClinVar aggregate classification (germline): Uncertain significance (1 of 4 stars; one submission).

Allele frequency attached by ClinVar (database versions not stated): gnomAD 0.00001; gnomAD exomes 0.00002.
gnomAD v4.1: 13 of 967,020 alleles (0.0013%); highest among the groups gnomAD compares: South Asian, 0.052%; no homozygotes.

Submission:

GeneDx
Classification: Uncertain significance. Last evaluated: 2023-01-09. Review status: criteria provided, single submitter. Criteria: GeneDx Variant Classification Process June 2021. Collection method: clinical testing. Allele origin: germline. Affected: yes.
Comment: Not observed at significant frequency in large population cohorts (gnomAD); In silico analysis supports that this missense variant does not alter protein structure/function; Has not been previously published as pathogenic or benign to our knowledge